The following is an entry in ClinVar:

ClinVar aggregate classification (germline): Uncertain significance (1 of 4 stars; one submission).

Conditions:
Intellectual developmental disorder with dysmorphic facies, seizures, and distal limb anomalies (IDDFSDA). Identifiers: Orphanet 505237, MedGen C4479520, MONDO:0044319, OMIM 617452.

gnomAD v4.1: 3 of 1,584,058 alleles (0.00019%); highest among the groups gnomAD compares: Non-Finnish European, 0.00026%; no homozygotes.

Submission:

Laboratorio de Genetica e Diagnostico Molecular, Hospital Israelita Albert Einstein
Classification: Uncertain significance for Intellectual developmental disorder with dysmorphic facies, seizures, and distal limb anomalies. Last evaluated: 2024-12-30. Review status: criteria provided, single submitter. Criteria: ACMG Guidelines, 2015. Collection method: clinical testing. Allele origin: germline. Affected: yes.
Comment: ACMG classification criteria: PM2 supporting, PP3 supporting

NM_016023.5(OTUD6B):c.54G>C (p.Arg18Ser)

Genes: OTUD6B (OTU deubiquitinase 6B; plus strand), LOC130000726 (ATAC-STARR-seq lymphoblastoid active region 27614; plus strand). Cytogenetic location: 8q21.3.
Variant type: single nucleotide variant.
Coding change: c.54G>C on transcript NM_016023.5 (MANE Select); coding-DNA position 54, G replaced by C.
Protein change: p.Arg18Ser; replaces arginine 18 with serine.
Molecular consequence: missense variant. On other transcripts: 5 prime UTR variant (1).
Genome position (GRCh38, 1-based): chr8:91,070,438, G>C. VCF-style: chr8-91070438-G-C. GRCh37 (hg19) VCF-style: chr8-92082666-G-C.
Other names: c.-390G>C (NM_001286745.3); c.54G>C, p.Arg18Ser (NM_001416022.1); short protein forms R18S.
Identifiers: ClinVar variation 4056699 (VCV004056699.1).